The following is an entry in ClinVar:

ClinVar aggregate classification (germline): Uncertain significance (1 of 4 stars; one submission).

gnomAD v4.1: 1 of 1,613,988 alleles (0.000062%); highest among the groups gnomAD compares: Admixed American, 0.0017%; no homozygotes.

Submission:

Labcorp Genetics (formerly Invitae), Labcorp
Classification: Uncertain significance. Last evaluated: 2025-03-31. Review status: criteria provided, single submitter. Criteria: Invitae Variant Classification Sherloc (09022015). Collection method: clinical testing. Allele origin: germline.
Comment: This sequence change replaces cysteine, which is neutral and slightly polar, with serine, which is neutral and polar, at codon 676 of the NALCN protein (p.Cys676Ser). This variant is present in population databases (no rsID available, gnomAD 0.003%). This variant has not been reported in the literature in individuals affected with NALCN-related conditions. Invitae Evidence Modeling of protein sequence and biophysical properties (such as structural, functional, and spatial information, amino acid conservation, physicochemical variation, residue mobility, and thermodynamic stability) indicates that this missense variant is not expected to disrupt NALCN protein function with a negative predictive value of 80%. In summary, the available evidence is currently insufficient to determine the role of this variant in disease. Therefore, it has been classified as a Variant of Uncertain Significance.

NM_052867.4(NALCN):c.2027G>C (p.Cys676Ser)

Gene: NALCN (sodium leak channel, non-selective; minus strand). Cytogenetic location: 13q33.1.
Variant type: single nucleotide variant.
Coding change: c.2027G>C on transcript NM_052867.4 (MANE Select); coding-DNA position 2027, G replaced by C.
Protein change: p.Cys676Ser; replaces cysteine 676 with serine.
Molecular consequence: missense variant.
Genome position (GRCh38, 1-based): chr13:101,143,171, C>G on the plus strand (G>C on the coding strand, the complement: NALCN is on the minus strand). VCF-style: chr13-101143171-C-G. GRCh37 (hg19) VCF-style: chr13-101795522-C-G.
Other names: c.2027G>C, p.Cys676Ser (NM_001350748.2, NM_001350749.2); c.1940G>C, p.Cys647Ser (NM_001350750.2, NM_001350751.2); short protein forms C676S, C647S.
Identifiers: ClinVar variation 3661140 (VCV003661140.2).